The following is an entry in ClinVar:

NM_212482.4(FN1):c.221_247dup (p.Ser82_Arg83insLeuValCysThrCysTyrGlyGlySer)

Gene: FN1 (fibronectin 1; minus strand). Cytogenetic location: 2q35.
Variant type: Duplication.
Coding change: c.221_247dup on transcript NM_212482.4 (MANE Select); coding-DNA positions 221 to 247, 27 bases duplicated (TGGTTTGTACTTGTTATGGAGGAAGCC).
Protein change: p.Ser82_Arg83insLeuValCysThrCysTyrGlyGlySer.
Molecular consequence: inframe insertion.
Genome position (GRCh38, 1-based): chr2:215,434,726-215,434,752, GGCTTCCTCCATAACAAGTACAAACCA duplicated on the plus strand (TGGTTTGTACTTGTTATGGAGGAAGCC on the coding strand, the reverse complement: FN1 is on the minus strand). VCF-style (leftmost placement, unchanged base first): chr2-215434725-C-CGGCTTCCTCCATAACAAGTACAAACCA. GRCh37 (hg19) VCF-style: chr2-216299448-C-CGGCTTCCTCCATAACAAGTACAAACCA.
Other names: c.221_247dup, p.Ser82_Arg83insLeuValCysThrCysTyrGlyGlySer (NM_001306129.2, NM_001306130.2, NM_001306131.2 and 14 more transcripts).
Identifiers: ClinVar variation 4714376 (VCV004714376.1).

ClinVar aggregate classification (germline): Uncertain significance (1 of 4 stars; one submission).

Submission:

Labcorp Genetics (formerly Invitae), Labcorp
Classification: Uncertain significance. Last evaluated: 2025-03-10. Review status: criteria provided, single submitter. Criteria: Invitae Variant Classification Sherloc (09022015). Collection method: clinical testing. Allele origin: germline.
Comment: This variant, c.221_247dup, results in the insertion of 9 amino acid(s) of the FN1 protein (p.Leu74_Ser82dup), but otherwise preserves the integrity of the reading frame. This variant is not present in population databases (gnomAD no frequency). This variant has not been reported in the literature in individuals affected with FN1-related conditions. In summary, the available evidence is currently insufficient to determine the role of this variant in disease. Therefore, it has been classified as a Variant of Uncertain Significance.